The following is an entry in ClinVar:

ClinVar aggregate classification (germline): Uncertain significance (1 of 4 stars; one submission).

Allele frequency attached by ClinVar (database versions not stated): TOPMed 0.00004.
gnomAD v4.1: 30 of 1,614,068 alleles (0.0019%); highest among the groups gnomAD compares: Non-Finnish European, 0.0024%; no homozygotes.

Submission:

Labcorp Genetics (formerly Invitae), Labcorp
Classification: Uncertain significance. Last evaluated: 2022-06-13. Review status: criteria provided, single submitter. Criteria: Invitae Variant Classification Sherloc (09022015). Collection method: clinical testing. Allele origin: germline.
Comment: This sequence change replaces glycine, which is neutral and non-polar, with arginine, which is basic and polar, at codon 286 of the FKBP10 protein (p.Gly286Arg). The frequency data for this variant in the population databases is considered unreliable, as metrics indicate poor data quality at this position in the gnomAD database. This variant has not been reported in the literature in individuals affected with FKBP10-related conditions. Algorithms developed to predict the effect of missense changes on protein structure and function (SIFT, PolyPhen-2, Align-GVGD) all suggest that this variant is likely to be disruptive. In summary, the available evidence is currently insufficient to determine the role of this variant in disease. Therefore, it has been classified as a Variant of Uncertain Significance.

NM_021939.4(FKBP10):c.856G>A (p.Gly286Arg)

Gene: FKBP10 (FKBP prolyl isomerase 10; plus strand). Cytogenetic location: 17q21.2.
Variant type: single nucleotide variant.
Coding change: c.856G>A on transcript NM_021939.4 (MANE Select); coding-DNA position 856, G replaced by A.
Protein change: p.Gly286Arg; replaces glycine 286 with arginine.
Molecular consequence: missense variant.
Genome position (GRCh38, 1-based): chr17:41,819,338, G>A. VCF-style: chr17-41819338-G-A. GRCh37 (hg19) VCF-style: chr17-39975590-G-A.
Other names: short protein forms G286R.
Identifiers: ClinVar variation 2178758 (VCV002178758.1), dbSNP rs782566284, ClinGen allele CA8566389.
Genomic context (GRCh38, chr17:41,819,338, plus strand): 5'-GACGCTGTCCAGCTAGAGACGCTGGAGCTCCCCCCCGGCTGTGTCCGCAGAGCCGGGGCC[G>A]GGGACTTCATGCGCTACCACTACAATGGCTCCTTGATGGACGGCACCCTCTTCGATTCCA-3'
Protein context (NP_068758.3, residues 276-296): PPGCVRRAGA[Gly286Arg]DFMRYHYNGS